The following is an entry in ClinVar:

ClinVar aggregate classification (germline): Uncertain significance. Review status: criteria provided, multiple submitters, no conflicts (2 of 4 stars). 2 submissions from 2 submitters: Uncertain significance (2). Last evaluated 2025-06-10.

Conditions:
RYR1-related disorder. Also called: RYR1-related condition; RYR1-related disorders. Identifiers: MedGen CN239331.

Allele frequency attached by ClinVar (database versions not stated): ExAC 0.00001; gnomAD exomes 0.00001.
gnomAD v4.1: 4 of 1,611,290 alleles (0.00025%); highest among the groups gnomAD compares: Middle Eastern, 0.049%; no homozygotes.

Submissions (2):

Labcorp Genetics (formerly Invitae), Labcorp
Classification: Uncertain significance for RYR1-related disorder. Last evaluated: 2025-06-10. Review status: criteria provided, single submitter. Criteria: Invitae Variant Classification Sherloc (09022015). Collection method: clinical testing. Allele origin: germline.
Comment: This sequence change replaces proline, which is neutral and non-polar, with histidine, which is basic and polar, at codon 2631 of the RYR1 protein (p.Pro2631His). This variant is present in population databases (rs763892923, gnomAD 0.0009%). This variant has not been reported in the literature in individuals affected with RYR1-related conditions. ClinVar contains an entry for this variant (Variation ID: 1021532). Invitae Evidence Modeling of protein sequence and biophysical properties (such as structural, functional, and spatial information, amino acid conservation, physicochemical variation, residue mobility, and thermodynamic stability) indicates that this missense variant is expected to disrupt RYR1 protein function with a positive predictive value of 80%. In summary, the available evidence is currently insufficient to determine the role of this variant in disease. Therefore, it has been classified as a Variant of Uncertain Significance.

Kariminejad - Najmabadi Pathology & Genetics Center
Classification: Uncertain significance. Last evaluated: 2022-10-11. Review status: criteria provided, single submitter. Criteria: ACMG Guidelines, 2015. Collection method: clinical testing. Allele origin: germline. Inheritance: Autosomal dominant inheritance. Affected: yes.
Comment: PM2, PP2, PP3

NM_000540.3(RYR1):c.7892C>A (p.Pro2631His)

Gene: RYR1 (ryanodine receptor 1; plus strand). Cytogenetic location: 19q13.2.
Variant type: single nucleotide variant.
Coding change: c.7892C>A on transcript NM_000540.3 (MANE Select); coding-DNA position 7892, C replaced by A.
Protein change: p.Pro2631His; replaces proline 2631 with histidine.
Molecular consequence: missense variant.
Genome position (GRCh38, 1-based): chr19:38,502,936, C>A. VCF-style: chr19-38502936-C-A. GRCh37 (hg19) VCF-style: chr19-38993576-C-A.
Other names: c.7892C>A, p.Pro2631His (NM_001042723.2); short protein forms P2631H.
Identifiers: ClinVar variation 1021532 (VCV001021532.9), dbSNP rs763892923, ClinGen allele CA071003.